The following is an entry in ClinVar:

NM_014014.5(SNRNP200):c.2000T>C (p.Val667Ala)

Gene: SNRNP200 (small nuclear ribonucleoprotein U5 subunit 200; minus strand). Cytogenetic location: 2q11.2.
Variant type: single nucleotide variant.
Coding change: c.2000T>C on transcript NM_014014.5 (MANE Select); coding-DNA position 2000, T replaced by C.
Protein change: p.Val667Ala; replaces valine 667 with alanine.
Molecular consequence: missense variant.
Genome position (GRCh38, 1-based): chr2:96,293,352, A>G on the plus strand (T>C on the coding strand, the complement: SNRNP200 is on the minus strand). VCF-style: chr2-96293352-A-G. GRCh37 (hg19) VCF-style: chr2-96959090-A-G.
Other names: short protein forms V667A.
Identifiers: ClinVar variation 3720306 (VCV003720306.2).
Genomic context (GRCh38, chr2:96,293,352, plus strand): 5'-ACTTTGCCCAGTCTTTCCTGATACCTGTTGTCAAAGTAAAAGAGACCCTTGGCAGGGTCA[A>G]CACGTAGAAAGGTGGCTACATCTTCATAGTTGGGTAGGGTGGCACTGAGACCAATGAGTC-3'
Protein context (NP_054733.2, residues 657-677): NYEDVATFLR[Val667Ala]DPAKGLFYFD

ClinVar aggregate classification (germline): Uncertain significance (1 of 4 stars; one submission).

Submission:

Labcorp Genetics (formerly Invitae), Labcorp
Classification: Uncertain significance. Last evaluated: 2024-12-22. Review status: criteria provided, single submitter. Criteria: Invitae Variant Classification Sherloc (09022015). Collection method: clinical testing. Allele origin: germline.
Comment: This sequence change replaces valine, which is neutral and non-polar, with alanine, which is neutral and non-polar, at codon 667 of the SNRNP200 protein (p.Val667Ala). This variant is not present in population databases (gnomAD no frequency). This variant has not been reported in the literature in individuals affected with SNRNP200-related conditions. Invitae Evidence Modeling of protein sequence and biophysical properties (such as structural, functional, and spatial information, amino acid conservation, physicochemical variation, residue mobility, and thermodynamic stability) has been performed for this missense variant. However, the output from this modeling did not meet the statistical confidence thresholds required to predict the impact of this variant on SNRNP200 protein function. In summary, the available evidence is currently insufficient to determine the role of this variant in disease. Therefore, it has been classified as a Variant of Uncertain Significance.